The following is an entry in ClinVar:

NM_005909.5(MAP1B):c.2115G>A (p.Pro705=)

Gene: MAP1B (microtubule associated protein 1B; plus strand). Cytogenetic location: 5q13.2.
Variant type: single nucleotide variant.
Coding change: c.2115G>A on transcript NM_005909.5 (MANE Select); coding-DNA position 2115, G replaced by A.
Protein change: p.Pro705=; no amino-acid change (proline 705 retained).
Molecular consequence: synonymous variant.
Genome position (GRCh38, 1-based): chr5:72,195,470, G>A. VCF-style: chr5-72195470-G-A. GRCh37 (hg19) VCF-style: chr5-71491297-G-A.
Other names: c.1737G>A, p.Pro579= (NM_001324255.2).
Identifiers: ClinVar variation 3051915 (VCV003051915.2), dbSNP rs766902322, ClinGen allele CA3298780.

ClinVar aggregate classification (germline): Likely benign (0 of 4 stars; one submission).

Conditions:
MAP1B-related disorder. Also called: MAP1B-related condition.

Allele frequency attached by ClinVar (database versions not stated): gnomAD 0.00002; TOPMed 0.00005; ExAC 0.00006.
gnomAD v4.1: 62 of 1,586,846 alleles (0.0039%); highest among the groups gnomAD compares: Admixed American, 0.0075%; no homozygotes.

Submission:

PreventionGenetics, part of Exact Sciences
Classification: Likely benign for MAP1B-related condition. Last evaluated: 2021-02-04. Review status: no assertion criteria provided. Collection method: clinical testing. Allele origin: germline.
Comment: This variant is classified as likely benign based on ACMG/AMP sequence variant interpretation guidelines (Richards et al. 2015 PMID: 25741868, with internal and published modifications).